The following is an entry in ClinVar:

ClinVar aggregate classification (germline): Uncertain significance (1 of 4 stars; one submission).

Conditions:
Familial isolated arrhythmogenic right ventricular dysplasia. Identifiers: Orphanet 217656, MedGen C4274968, MONDO:0016342.

Submission:

All of Us Research Program, National Institutes of Health
Classification: Uncertain significance for Familial isolated arrhythmogenic right ventricular dysplasia. Last evaluated: 2024-08-06. Review status: criteria provided, single submitter. Criteria: ACMG Guidelines, 2015. Collection method: clinical testing. Allele origin: germline. Inheritance: Autosomal dominant inheritance. Observed: 1 variant allele, 1 heterozygote.
Comment: This study involves interpretation of variants in research participants for the purpose of population health screening. Participant phenotype was not available at the time of variant classification. Additional details can be found in publication PMID: 35346344, PMCID: PMC8962531

NM_024422.6(DSC2):c.19T>G (p.Ser7Ala)

Genes: DSCAS (DSC1/DSC2 antisense RNA; plus strand), DSC2 (desmocollin 2; minus strand). Cytogenetic location: 18q12.1.
Variant type: single nucleotide variant.
Coding change: c.19T>G on transcript NM_024422.6 (MANE Select); coding-DNA position 19, T replaced by G.
Protein change: p.Ser7Ala; replaces serine 7 with alanine.
Molecular consequence: missense variant.
Genome position (GRCh38, 1-based): chr18:31,101,953, A>C on the plus strand (T>G on the coding strand, the complement: DSC2 is on the minus strand). VCF-style: chr18-31101953-A-C. GRCh37 (hg19) VCF-style: chr18-28681916-A-C.
Other names: c.19T>G, p.Ser7Ala (NM_004949.5); short protein forms S7A.
Identifiers: ClinVar variation 3386560 (VCV003386560.1).